The following is an entry in ClinVar:

NM_001128178.3(NPHP1):c.1003T>C (p.Cys335Arg)

Gene: NPHP1 (nephrocystin 1; minus strand). Cytogenetic location: 2q13.
Variant type: single nucleotide variant.
Coding change: c.1003T>C on transcript NM_001128178.3 (MANE Select); coding-DNA position 1003, T replaced by C.
Protein change: p.Cys335Arg; replaces cysteine 335 with arginine.
Molecular consequence: missense variant.
Genome position (GRCh38, 1-based): chr2:110,160,207, A>G on the plus strand (T>C on the coding strand, the complement: NPHP1 is on the minus strand). VCF-style: chr2-110160207-A-G. GRCh37 (hg19) VCF-style: chr2-110917784-A-G.
Other names: c.1171T>C, p.Cys391Arg (NM_000272.5); c.814T>C, p.Cys272Arg (NM_001128179.3); c.1000T>C, p.Cys334Arg (NM_001374256.1); c.1003T>C, p.Cys335Arg (NM_001374257.1); c.1168T>C, p.Cys390Arg (NM_207181.4); short protein forms C334R, C272R, C335R, C390R, C391R.
Identifiers: ClinVar variation 1385883 (VCV001385883.6), dbSNP rs112297047, ClinGen allele CA53511284.

ClinVar aggregate classification (germline): Uncertain significance (1 of 4 stars; one submission).

Conditions:
Nephronophthisis. Also called: Juvenile Nephronophthisis. Identifiers: Orphanet 655, MedGen C0687120, MONDO:0019005, HP:0000090.

Submission:

Labcorp Genetics (formerly Invitae), Labcorp
Classification: Uncertain significance for Nephronophthisis. Last evaluated: 2023-07-03. Review status: criteria provided, single submitter. Criteria: Invitae Variant Classification Sherloc (09022015). Collection method: clinical testing. Allele origin: germline.
Comment: This sequence change replaces cysteine, which is neutral and slightly polar, with arginine, which is basic and polar, at codon 391 of the NPHP1 protein (p.Cys391Arg). In summary, the available evidence is currently insufficient to determine the role of this variant in disease. Therefore, it has been classified as a Variant of Uncertain Significance. Advanced modeling of protein sequence and biophysical properties (such as structural, functional, and spatial information, amino acid conservation, physicochemical variation, residue mobility, and thermodynamic stability) performed at Invitae indicates that this missense variant is not expected to disrupt NPHP1 protein function. ClinVar contains an entry for this variant (Variation ID: 1385883). This variant has not been reported in the literature in individuals affected with NPHP1-related conditions. This variant is not present in population databases (gnomAD no frequency).